The following is an entry in ClinVar:

ClinVar aggregate classification (germline): Uncertain significance. Review status: criteria provided, multiple submitters, no conflicts (2 of 4 stars). 4 submissions from 4 submitters: Uncertain significance (2). 2 of the submissions do not count toward it. Last evaluated 2025-01-13.

Conditions:
Spastic paraplegia. Identifiers: MedGen C0037772, HP:0001258.
X-linked syndromic intellectual disability. Also called: X-linked mental retardation, syndromic; Intellectual developmental disorder, X-linked syndromic. Identifiers: MedGen CN228426, MONDO:0020119.

Allele frequency attached by ClinVar (database versions not stated): gnomAD exomes below 0.00001; ESP Exome Variant Server 0.00009; TOPMed 0.00001; gnomAD 0.00002.
gnomAD v4.1: 6 of 1,210,765 alleles (0.0005%); highest among the groups gnomAD compares: South Asian, 0.0018%; no homozygotes.

Submissions (4):

Labcorp Genetics (formerly Invitae), Labcorp
Classification: Uncertain significance for Spastic paraplegia. Last evaluated: 2025-01-13. Review status: criteria provided, single submitter. Criteria: Invitae Variant Classification Sherloc (09022015). Collection method: clinical testing. Allele origin: germline.
Comment: This sequence change replaces arginine, which is basic and polar, with cysteine, which is neutral and slightly polar, at codon 982 of the KDM5C protein (p.Arg982Cys). This variant is not present in population databases (gnomAD no frequency). This variant has not been reported in the literature in individuals affected with KDM5C-related conditions. ClinVar contains an entry for this variant (Variation ID: 1197312). Invitae Evidence Modeling of protein sequence and biophysical properties (such as structural, functional, and spatial information, amino acid conservation, physicochemical variation, residue mobility, and thermodynamic stability) indicates that this missense variant is not expected to disrupt KDM5C protein function with a negative predictive value of 95%. In summary, the available evidence is currently insufficient to determine the role of this variant in disease. Therefore, it has been classified as a Variant of Uncertain Significance.

GeneDx
Classification: Uncertain significance. Last evaluated: 2019-07-23. Review status: criteria provided, single submitter. Criteria: GeneDx Variant Classification Process June 2021. Collection method: clinical testing. Allele origin: germline. Affected: yes.
Comment: Not observed in large population cohorts (Lek et al., 2016); In silico analysis, which includes protein predictors and evolutionary conservation, supports a deleterious effect; Has not been previously published as pathogenic or benign to our knowledge

Clinical Genetics DNA and cytogenetics Diagnostics Lab, Erasmus MC, Erasmus Medical Center
Classification: Uncertain significance. Review status: no assertion criteria provided. Collection method: clinical testing. Allele origin: germline. Affected: yes. Study: VKGL Data-share Consensus. Not counted in ClinVar's aggregate classification.

Joint Genome Diagnostic Labs from Nijmegen and Maastricht, Radboudumc and MUMC+
Classification: Uncertain significance. Review status: no assertion criteria provided. Collection method: clinical testing. Allele origin: germline. Affected: yes. Study: VKGL Data-share Consensus. Not counted in ClinVar's aggregate classification.

NM_004187.5(KDM5C):c.2944C>T (p.Arg982Cys)

Gene: KDM5C (lysine demethylase 5C; minus strand). Cytogenetic location: Xp11.22.
Variant type: single nucleotide variant.
Coding change: c.2944C>T on transcript NM_004187.5 (MANE Select); coding-DNA position 2944, C replaced by T.
Protein change: p.Arg982Cys; replaces arginine 982 with cysteine.
Molecular consequence: missense variant. On other transcripts: non-coding transcript variant (3).
Genome position (GRCh38, 1-based): chrX:53,196,723, G>A on the plus strand (C>T on the coding strand, the complement: KDM5C is on the minus strand). VCF-style: chrX-53196723-G-A. GRCh37 (hg19) VCF-style: chrX-53225905-G-A.
Other names: c.2743C>T, p.Arg915Cys (NM_001146702.2); c.2941C>T, p.Arg981Cys (NM_001282622.3, NM_001353979.2, NM_001353982.2); c.2944C>T, p.Arg982Cys (NM_001353978.3, NM_001353981.2, NM_001353984.2); short protein forms R915C, R981C, R982C.
Identifiers: ClinVar variation 1197312 (VCV001197312.8), dbSNP rs369353279, ClinGen allele CA329167064.